The following is an entry in ClinVar:

NM_001165963.4(SCN1A):c.2946+1G>T

Gene: SCN1A (sodium voltage-gated channel alpha subunit 1; minus strand). Cytogenetic location: 2q24.3.
Variant type: single nucleotide variant.
Coding change: c.2946+1G>T on transcript NM_001165963.4 (MANE Select); the canonical splice donor site of the intron after coding-DNA position 2946, G replaced by T.
Molecular consequence: splice donor variant.
Genome position (GRCh38, 1-based): chr2:166,037,775, C>A on the plus strand (G>T on the coding strand, the complement: SCN1A is on the minus strand). VCF-style: chr2-166037775-C-A. GRCh37 (hg19) VCF-style: chr2-166894285-C-A.
Other names: c.2913+1G>T (NM_001353949.2, NM_001353950.2, NM_001353951.2 and 2 more transcripts); c.2862+1G>T (NM_001353958.2, NM_001353957.2, NM_001165964.3); c.2946+1G>T (NM_001202435.3, NM_001353948.2); c.2910+1G>T (NM_001353955.2, NM_001353954.2); c.2859+1G>T (NM_001353960.2); c.504+1G>T (NM_001353961.2).
Identifiers: ClinVar variation 189935 (VCV000189935.9), dbSNP rs794726772, ClinGen allele CA303354.
Genomic context (GRCh38, chr2:166,037,775, plus strand): 5'-ATATGTATACATGTGCCATGCTGGTGTATTTCCAAAATGCATATCTTAAGTGGGTACATA[C>A]CACTAGGTTTCCAATCACCATGACCATCATGAAGACAGTAAGGCACATGGCTTGACCAGC-3'

ClinVar aggregate classification (germline): Pathogenic. Review status: criteria provided, multiple submitters, no conflicts (2 of 4 stars). 3 submissions from 3 submitters: Pathogenic (3). Last evaluated 2021-10-27.

Conditions:
Early-infantile DEE. Also called: Early infantile epileptic encephalopathy; Ohtahara syndrome; Early infantile epileptic encephalopathy with suppression bursts. Identifiers: Orphanet 1934, MedGen C0393706, MONDO:0800491.
Severe myoclonic epilepsy in infancy (DRVT). Also called: Epileptic encephalopathy, early infantile, 6 (Dravet syndrome); SEVERE MYOCLONIC EPILEPSY OF INFANCY; DEVELOPMENTAL AND EPILEPTIC ENCEPHALOPATHY 6A; Severe Myoclonic Epilepsy in Infancy (SMEI); Dravet syndrome. Identifiers: Orphanet 33069, MedGen C0751122, MONDO:0100135, OMIM 607208.

Submissions (3):

Labcorp Genetics (formerly Invitae), Labcorp
Classification: Pathogenic for Early-infantile DEE. Last evaluated: 2021-10-27. Review status: criteria provided, single submitter. Criteria: Invitae Variant Classification Sherloc (09022015). Collection method: clinical testing. Allele origin: germline.
Comment: For these reasons, this variant has been classified as Pathogenic. Disruption of this splice site has been observed in individual(s) with clinical features of SCN1A-related conditions (PMID: 17347258). In at least one individual the variant was observed to be de novo. ClinVar contains an entry for this variant (Variation ID: 189935). Studies have shown that disruption of this splice site results in skipping of exon 15, but is expected to preserve the integrity of the reading-frame (PMID: 25590135). This variant is not present in population databases (gnomAD no frequency). This sequence change affects a donor splice site in intron 15 of the SCN1A gene. RNA analysis indicates that disruption of this splice site induces altered splicing and likely results in a shortened protein product.

GeneDx
Classification: Pathogenic. Last evaluated: 2016-06-20. Review status: criteria provided, single submitter. Criteria: GeneDx Variant Classification (06012015). Collection method: clinical testing. Allele origin: germline. Affected: yes.
Comment: This variant was not observed in approximately 6,500 individuals of European and African American ancestry in the NHLBI Exome Sequencing Project, indicating it is not a common benign variant in these populations. The c.2946+1 G>T variant destroys the canonical splice donor site in intron 15, and is expected to cause abnormal gene splicing.

Center for Bioinformatics, Peking University
Classification: Pathogenic for Dravet syndrome. Last evaluated: 2014-12-20. Review status: criteria provided, single submitter. Criteria: Xu et al. (Hum Mutat. 2015). Collection method: research. Allele origin: de novo. Affected: yes. Observed: 1 variant allele. Study: University Clinical Cooperation “985 Project” PKU-2014-1-1.
Comment: Dravet syndrome (DS) probands were recruited from the outpatient and inpatient child neurology units of Peking University First Hospital from 2005 till present. The study was approved by the Ethics Committee of Peking University First Hospital and the Institutional Review Board at Peking University. Participants or their parents provided written informed consent before enrollment. We collected a total of 267 mutations from 255 families with probands diagnosed with DS in China. All probands fulfilled the clinical diagnostic criteria.

Literature cited by the submitters: PubMed 17347258 (cited by Labcorp Genetics (formerly Invitae), Labcorp); PubMed 25590135 (cited by Labcorp Genetics (formerly Invitae), Labcorp).